The following is an entry in ClinVar:

ClinVar aggregate classification (germline): Uncertain significance. Review status: criteria provided, multiple submitters, no conflicts (2 of 4 stars). 3 submissions from 3 submitters: Uncertain significance (3). Last evaluated 2026-01-13.

Conditions:
Inborn genetic diseases. Identifiers: MedGen C0950123, MeSH D030342.

Allele frequency attached by ClinVar (database versions not stated): gnomAD 0.00001 and 0.00002; gnomAD exomes 0.00001 and 0.00003; ExAC 0.00003; TOPMed 0.00003; 1000 Genomes Project 0.00040; 1000 Genomes Project 30x 0.00047.
gnomAD v4.1: 24 of 1,614,094 alleles (0.0015%); highest among the groups gnomAD compares: Admixed American, 0.0083%; no homozygotes.

Submissions (3):

Labcorp Genetics (formerly Invitae), Labcorp
Classification: Uncertain significance. Last evaluated: 2026-01-13. Review status: criteria provided, single submitter. Criteria: Invitae Variant Classification Sherloc (09022015). Collection method: clinical testing. Allele origin: germline.
Comment: This sequence change replaces arginine, which is basic and polar, with tryptophan, which is neutral and slightly polar, at codon 611 of the COL9A2 protein (p.Arg611Trp). This variant is present in population databases (rs531953673, gnomAD 0.01%). This variant has not been reported in the literature in individuals affected with COL9A2-related conditions. ClinVar contains an entry for this variant (Variation ID: 1312989). An algorithm developed to predict the effect of missense changes on protein structure and function (PolyPhen-2) suggests that this variant is likely to be disruptive. In summary, the available evidence is currently insufficient to determine the role of this variant in disease. Therefore, it has been classified as a Variant of Uncertain Significance.

Ambry Genetics
Classification: Uncertain significance for Inborn genetic diseases. Last evaluated: 2025-02-22. Review status: criteria provided, single submitter. Criteria: Ambry Variant Classification Scheme 2023. Collection method: clinical testing. Allele origin: germline.

GeneDx
Classification: Uncertain significance. Last evaluated: 2020-07-06. Review status: criteria provided, single submitter. Criteria: GeneDx Variant Classification Process June 2021. Collection method: clinical testing. Allele origin: germline. Affected: yes.
Comment: Has not been previously published as pathogenic or benign to our knowledge; In silico analysis supports that this missense variant has a deleterious effect on protein structure/function

NM_001852.4(COL9A2):c.1831C>T (p.Arg611Trp)

Gene: COL9A2 (collagen type IX alpha 2 chain; minus strand). Cytogenetic location: 1p34.2.
Variant type: single nucleotide variant.
Coding change: c.1831C>T on transcript NM_001852.4 (MANE Select); coding-DNA position 1831, C replaced by T.
Protein change: p.Arg611Trp; replaces arginine 611 with tryptophan.
Molecular consequence: missense variant.
Genome position (GRCh38, 1-based): chr1:40,301,851, G>A on the plus strand (C>T on the coding strand, the complement: COL9A2 is on the minus strand). VCF-style: chr1-40301851-G-A. GRCh37 (hg19) VCF-style: chr1-40767523-G-A.
Other names: short protein forms R611W.
Identifiers: ClinVar variation 1312989 (VCV001312989.12), dbSNP rs531953673, ClinGen allele CA791315.
Genomic context (GRCh38, chr1:40,301,851, plus strand): 5'-TGGGCAGGGCCAATGGCTTACCTGGGATCCCTGGGGGCCCAGGCATCCCGGGGTGCCCCC[G>A]TCCCACTTCTCCTGGATCACCCTTCTCTCCACGTTTTCCTGTAGACAAAAAAGGAAATCT-3'
Protein context (NP_001843.1, residues 601-621): GEKGDPGEVG[Arg611Trp]GHPGMPGPPG